The following is an entry in ClinVar:

ClinVar aggregate classification (germline): Uncertain significance. Review status: criteria provided, multiple submitters, no conflicts (2 of 4 stars). 3 submissions from 3 submitters: Uncertain significance (3). Last evaluated 2025-04-20.

Conditions:
Inborn genetic diseases. Identifiers: MedGen C0950123, MeSH D030342.
Deficiency of alpha-mannosidase (MANSA). Also called: Mannosidosis, alpha-, types I and II; LYSOSOMAL ALPHA-D-MANNOSIDASE DEFICIENCY; Alpha-Mannosidosis. Identifiers: Orphanet 61, MedGen C0024748, MONDO:0009561, OMIM 248500.

Allele frequency attached by ClinVar (database versions not stated): gnomAD 0.00001 and 0.00002; gnomAD exomes 0.00001.
gnomAD v4.1: 25 of 1,613,690 alleles (0.0015%); highest among the groups gnomAD compares: African/African-American, 0.0054%; no homozygotes.

Submissions (3):

Ambry Genetics
Classification: Uncertain significance for Inborn genetic diseases. Last evaluated: 2025-04-20. Review status: criteria provided, single submitter. Criteria: Ambry Variant Classification Scheme 2023. Collection method: clinical testing. Allele origin: germline.

Labcorp Genetics (formerly Invitae), Labcorp
Classification: Uncertain significance for Deficiency of alpha-mannosidase. Last evaluated: 2022-07-27. Review status: criteria provided, single submitter. Criteria: Invitae Variant Classification Sherloc (09022015). Collection method: clinical testing. Allele origin: germline.
Comment: This sequence change replaces proline, which is neutral and non-polar, with leucine, which is neutral and non-polar, at codon 736 of the MAN2B1 protein (p.Pro736Leu). This variant is present in population databases (no rsID available, gnomAD 0.003%). This variant has not been reported in the literature in individuals affected with MAN2B1-related conditions. ClinVar contains an entry for this variant (Variation ID: 1304299). Algorithms developed to predict the effect of missense changes on protein structure and function (SIFT, PolyPhen-2, Align-GVGD) all suggest that this variant is likely to be tolerated. In summary, the available evidence is currently insufficient to determine the role of this variant in disease. Therefore, it has been classified as a Variant of Uncertain Significance.

GeneDx
Classification: Uncertain significance. Last evaluated: 2021-04-30. Review status: criteria provided, single submitter. Criteria: GeneDx Variant Classification Process June 2021. Collection method: clinical testing. Allele origin: germline. Affected: yes.
Comment: Not observed at a significant frequency in large population cohorts (Lek et al., 2016); In silico analysis supports that this missense variant has a deleterious effect on protein structure/function; Has not been previously published as pathogenic or benign to our knowledge

NM_000528.4(MAN2B1):c.2207C>T (p.Pro736Leu)

Gene: MAN2B1 (mannosidase alpha class 2B member 1; minus strand). Cytogenetic location: 19p13.13.
Variant type: single nucleotide variant.
Coding change: c.2207C>T on transcript NM_000528.4 (MANE Select); coding-DNA position 2207, C replaced by T.
Protein change: p.Pro736Leu; replaces proline 736 with leucine.
Molecular consequence: missense variant.
Genome position (GRCh38, 1-based): chr19:12,649,973, G>A on the plus strand (C>T on the coding strand, the complement: MAN2B1 is on the minus strand). VCF-style: chr19-12649973-G-A. GRCh37 (hg19) VCF-style: chr19-12760787-G-A.
Other names: c.2204C>T, p.Pro735Leu (NM_001173498.2); short protein forms P735L, P736L.
Identifiers: ClinVar variation 1304299 (VCV001304299.5), dbSNP rs1270784757, ClinGen allele CA404242790.